The following is an entry in ClinVar:

NM_182961.4(SYNE1):c.15304C>T (p.Gln5102Ter)

Gene: SYNE1 (spectrin repeat containing nuclear envelope protein 1; minus strand). Cytogenetic location: 6q25.2.
Variant type: single nucleotide variant.
Coding change: c.15304C>T on transcript NM_182961.4 (MANE Select); coding-DNA position 15304, C replaced by T.
Protein change: p.Gln5102Ter; replaces glutamine 5102 with a stop codon.
Molecular consequence: nonsense.
Genome position (GRCh38, 1-based): chr6:152,326,092, G>A on the plus strand (C>T on the coding strand, the complement: SYNE1 is on the minus strand). VCF-style: chr6-152326092-G-A. GRCh37 (hg19) VCF-style: chr6-152647227-G-A.
Other names: c.15091C>T, p.Gln5031Ter (NM_033071.5); short protein forms Q5031*, Q5102*.
Identifiers: ClinVar variation 1446263 (VCV001446263.6), dbSNP rs1270730854, ClinGen allele CA366093184.

ClinVar aggregate classification (germline): Pathogenic (1 of 4 stars; one submission).

Conditions:
Emery-Dreifuss muscular dystrophy 4, autosomal dominant (EDMD4). Also called: EMERY-DREIFUSS MUSCULAR DYSTROPHY 4 WITH VARIABLE FEATURES. Identifiers: Orphanet 261, MedGen C2751807, MONDO:0013071, OMIM 612998.
Autosomal recessive ataxia, Beauce type. Also called: Spinocerebellar ataxia, autosomal recessive 8; ATAXIA, RECESSIVE, OF BEAUCE; SYNE1 Deficiency; SYNE1-Related Autosomal Recessive Cerebellar Ataxia. Identifiers: Orphanet 88644, MedGen C1853116, MONDO:0012549, OMIM 610743.

Allele frequency attached by ClinVar (database versions not stated): TOPMed below 0.00001.
gnomAD v4.1: 3 of 1,614,032 alleles (0.00019%); highest among the groups gnomAD compares: East Asian, 0.0022%; no homozygotes.

Submission:

Labcorp Genetics (formerly Invitae), Labcorp
Classification: Pathogenic for Emery-Dreifuss muscular dystrophy 4, autosomal dominant; Autosomal recessive ataxia, Beauce type. Last evaluated: 2022-03-18. Review status: criteria provided, single submitter. Criteria: Invitae Variant Classification Sherloc (09022015). Collection method: clinical testing. Allele origin: germline.
Comment: This sequence change creates a premature translational stop signal (p.Gln5031*) in the SYNE1 gene. It is expected to result in an absent or disrupted protein product. Loss-of-function variants in SYNE1 are known to be pathogenic (PMID: 19542096, 24319099, 27086870). This variant is not present in population databases (gnomAD no frequency). This variant has not been reported in the literature in individuals affected with SYNE1-related conditions. For these reasons, this variant has been classified as Pathogenic.

Literature cited by the submitters: PubMed 19542096; PubMed 24319099; PubMed 27086870.